The following is an entry in ClinVar:

ClinVar aggregate classification (germline): Pathogenic/Likely pathogenic. Review status: criteria provided, multiple submitters, no conflicts (2 of 4 stars). 5 submissions from 5 submitters: Pathogenic (1); Likely pathogenic (4). Last evaluated 2026-05-22.

Conditions:
BBS12-related disorder. Also called: BBS12-related condition.
Bardet-Biedl syndrome (BBS). Identifiers: Orphanet 110, MedGen C0752166, MONDO:0015229.
Bardet-Biedl syndrome 12 (BBS12). Identifiers: Orphanet 110, MedGen C1859570, MONDO:0014440, OMIM 615989.

gnomAD v4.1: 2 of 1,614,202 alleles (0.00012%); highest among the groups gnomAD compares: Non-Finnish European, 0.00017%; no homozygotes.

Submissions (5):

PreventionGenetics, part of Exact Sciences
Classification: Likely pathogenic for BBS12-related condition. Last evaluated: 2026-05-22. Review status: criteria provided, single submitter. Criteria: ACMG Guidelines, 2015. Collection method: clinical testing. Allele origin: germline.
Comment: The BBS12 c.789C>A variant is predicted to result in premature protein termination (p.Tyr263*). To our knowledge, this variant has not been reported in literature or a large population database (gnomAD), indicating this variant is rare. Nonsense variants in BBS12 are expected to be pathogenic. This variant is interpreted as likely pathogenic.

Natera, Inc.
Classification: Likely pathogenic for Bardet-Biedl syndrome type 12. Last evaluated: 2025-06-13. Review status: criteria provided, single submitter. Criteria: Natera Variant Classification Schema (03/2026). Collection method: clinical testing. Allele origin: germline.
Comment: The c.789C>A variant in BBS12 is a nonsense variant predicted to introduce a stop codon at amino acid 263. This variant is expected to result in nonsense mediated decay, truncation, or a dysfunctional protein product. This variant is rare in the general population with a frequency below the threshold expected for the associated phenotype(s). Given the available evidence, this variant is classified as Likely Pathogenic.

Baylor Genetics
Classification: Likely pathogenic for Bardet-Biedl syndrome 12. Last evaluated: 2023-09-20. Review status: criteria provided, single submitter. Criteria: ACMG Guidelines, 2015. Collection method: clinical testing. Allele origin: unknown.

Labcorp Genetics (formerly Invitae), Labcorp
Classification: Pathogenic for Bardet-Biedl syndrome. Last evaluated: 2021-12-24. Review status: criteria provided, single submitter. Criteria: Invitae Variant Classification Sherloc (09022015). Collection method: clinical testing. Allele origin: germline.
Comment: This sequence change creates a premature translational stop signal (p.Tyr263*) in the BBS12 gene. While this is not anticipated to result in nonsense mediated decay, it is expected to disrupt the last 448 amino acid(s) of the BBS12 protein. This variant is not present in population databases (gnomAD no frequency). This variant has not been reported in the literature in individuals affected with BBS12-related conditions. ClinVar contains an entry for this variant (Variation ID: 867113). This variant disrupts a region of the BBS12 protein in which other variant(s) (p.Asp687Valfs*3) have been determined to be pathogenic (Invitae). This suggests that this is a clinically significant region of the protein, and that variants that disrupt it are likely to be disease-causing. For these reasons, this variant has been classified as Pathogenic.

Blueprint Genetics
Classification: Likely pathogenic for BBS12-related disorders. Last evaluated: 2019-03-07. Review status: criteria provided, single submitter. Criteria: ACMG Guidelines, 2015. Collection method: clinical testing. Allele origin: germline. Affected: yes. Observed: 1 variant allele.

NM_152618.3(BBS12):c.789C>A (p.Tyr263Ter)

Gene: BBS12 (Bardet-Biedl syndrome 12; plus strand). Cytogenetic location: 4q27.
Variant type: single nucleotide variant.
Coding change: c.789C>A on transcript NM_152618.3 (MANE Select); coding-DNA position 789, C replaced by A.
Protein change: p.Tyr263Ter; replaces tyrosine 263 with a stop codon.
Molecular consequence: nonsense.
Genome position (GRCh38, 1-based): chr4:122,742,681, C>A. VCF-style: chr4-122742681-C-A. GRCh37 (hg19) VCF-style: chr4-123663836-C-A.
Other names: c.789C>A, p.Tyr263Ter (NM_001178007.2); short protein forms Y263*.
Identifiers: ClinVar variation 867113 (VCV000867113.10), dbSNP rs974173261, ClinGen allele CA105249185.